The following is an entry in ClinVar:

NM_001018115.3(FANCD2):c.4264A>C (p.Lys1422Gln)

Genes: FANCD2 (FA complementation group D2; plus strand), FANCD2OS (FANCD2 opposite strand; minus strand). Cytogenetic location: 3p25.3.
Variant type: single nucleotide variant.
Coding change: c.4264A>C on transcript NM_001018115.3 (MANE Select); coding-DNA position 4264, A replaced by C.
Protein change: p.Lys1422Gln; replaces lysine 1422 with glutamine.
Molecular consequence: missense variant. On other transcripts: intron variant (1).
Genome position (GRCh38, 1-based): chr3:10,098,798, A>C. VCF-style: chr3-10098798-A-C. GRCh37 (hg19) VCF-style: chr3-10140482-A-C.
Other names: c.4264A>C, p.Lys1422Gln (NM_001319984.2, NM_033084.6); c.4153A>C, p.Lys1385Gln (NM_001374253.1); c.4225A>C, p.Lys1409Gln (NM_001374254.1); c.*43+5400T>G (NM_173472.2); short protein forms K1409Q, K1422Q, K1385Q.
Identifiers: ClinVar variation 842693 (VCV000842693.10), dbSNP rs1695131902, ClinGen allele CA351758910.
Genomic context (GRCh38, chr3:10,098,798, plus strand): 5'-CAAAATTCCCAGGAGAGCACAGCAGATGAGAGTGAGGATGACATGTCATCCCAGGCCTCC[A>C]AGAGCAAAGCCACTGAGGTATCTCTACAAAACCCACCAGAGTCTGGCACTGATGGTTGCA-3'
Protein context (NP_001018125.1, residues 1412-1432): SEDDMSSQAS[Lys1422Gln]SKATEDGEED

ClinVar aggregate classification (germline): Uncertain significance (1 of 4 stars; one submission).

Conditions:
Fanconi anemia (FA). Also called: Fanconi's anemia. Identifiers: Orphanet 84, MedGen C0015625, MeSH D005199, MONDO:0019391.

Allele frequency attached by ClinVar (database versions not stated): gnomAD 0.00001.
gnomAD v4.1: 1 of 1,614,224 alleles (0.000062%); highest among the groups gnomAD compares: East Asian, 0.0022%; no homozygotes.

Submission:

Labcorp Genetics (formerly Invitae), Labcorp
Classification: Uncertain significance for Fanconi anemia. Last evaluated: 2022-09-06. Review status: criteria provided, single submitter. Criteria: Invitae Variant Classification Sherloc (09022015). Collection method: clinical testing. Allele origin: germline.
Comment: This sequence change replaces lysine, which is basic and polar, with glutamine, which is neutral and polar, at codon 1422 of the FANCD2 protein (p.Lys1422Gln). This variant has not been reported in the literature in individuals affected with FANCD2-related conditions. This variant is not present in population databases (gnomAD no frequency). In summary, the available evidence is currently insufficient to determine the role of this variant in disease. Therefore, it has been classified as a Variant of Uncertain Significance. Algorithms developed to predict the effect of missense changes on protein structure and function output the following: SIFT: "Tolerated"; PolyPhen-2: "Benign"; Align-GVGD: "Class C0". The glutamine amino acid residue is found in multiple mammalian species, which suggests that this missense change does not adversely affect protein function. ClinVar contains an entry for this variant (Variation ID: 842693).